The following is an entry in ClinVar:

NM_002049.4(GATA1):c.21del (p.Ser8fs)

Gene: GATA1 (GATA binding protein 1; plus strand). Cytogenetic location: Xp11.23.
Variant type: Deletion.
Coding change: c.21del on transcript NM_002049.4 (MANE Select); coding-DNA position 21, one base deleted (G; older notation c.21delG).
Protein change: p.Ser8fs; shifts the reading frame from serine 8.
Molecular consequence: frameshift variant.
Genome position (GRCh38, 1-based): chrX:48,791,130, G deleted; the last of 4 consecutive G bases (chrX:48,791,127-48,791,130); deleting any one gives the same sequence. VCF-style (leftmost placement, unchanged base first): chrX-48791126-TG-T. GRCh37 (hg19) VCF-style: chrX-48649533-TG-T.
Other names: c.21delG (NM_002049.3); short protein forms S8fs.
Identifiers: ClinVar variation 465133 (VCV000465133.8), dbSNP rs1557020001, ClinGen allele CA658658986.
Genomic context (GRCh38, chrX:48,791,126, plus strand): 5'-CTGAGGACCCCTTCTGTCCTCGCAGGTTAATCCCCAGAGGCTCCATGGAGTTCCCTGGCC[TG>T]GGGTCCCTGGGGACCTCAGAGCCCCTCCCCCAGTTTGTGGATCCTGCTCTGGTGTCCTCC-3'

ClinVar aggregate classification (germline): Pathogenic (1 of 4 stars; one submission).

Conditions:
Diamond-Blackfan anemia. Also called: Blackfan Diamond syndrome; Aregenerative anemia chronic congenital; Red cell aplasia, pure hereditary; Congenital hypoplastic anemia; Aase syndrome. Identifiers: Orphanet 124, MedGen C1260899, MeSH D029503, MONDO:0015253, HP:0004810.
GATA binding protein 1 related thrombocytopenia with dyserythropoiesis. Also called: GATA1-Related X-Linked Cytopenia; GATA1-Related Cytopenia. Identifiers: MedGen C1845837, MONDO:0100089.

Submission:

Labcorp Genetics (formerly Invitae), Labcorp
Classification: Pathogenic for GATA binding protein 1 related thrombocytopenia with dyserythropoiesis; Diamond-Blackfan anemia. Last evaluated: 2017-09-03. Review status: criteria provided, single submitter. Criteria: Invitae Variant Classification Sherloc (09022015). Collection method: clinical testing. Allele origin: germline.
Comment: For these reasons, this variant has been classified as Pathogenic. This variant is expected to result in a truncated GATA1 protein that lacks the N-terminal zinc-finger (residues 198-233) and C-terminal zinc-finger (residues 254-286). These domains mediate not only DNA binding, but also the majority of protein-protein interactions required for the proper transcriptional regulatory function of the GATA1 protein (PMID: 11566888, 16095949, 8628290, 15920471, 24255919). Several missense variants that result in disrupted function of the GATA1 protein have been reported in individuals affected with GATA1-related disease, indicating that loss-of-function variants in GATA1 are pathogenic (PMID: 23704091). This variant has not been reported in the literature in individuals with GATA1-related disease. This variant is not present in population databases (ExAC no frequency). This sequence change creates a premature translational stop signal (p.Ser8Profs*129) in the GATA1 gene. It is expected to result in an absent or disrupted protein product.

Literature cited by the submitters: PubMed 11566888; PubMed 16095949; PubMed 8628290; PubMed 15920471; PubMed 24255919; PubMed 23704091.